The following is an entry in ClinVar:

ClinVar aggregate classification (germline): Likely benign (1 of 4 stars; one submission).

Allele frequency attached by ClinVar (database versions not stated): gnomAD exomes below 0.00001; gnomAD 0.00001; TOPMed 0.00001.
gnomAD v4.1: 4 of 1,611,712 alleles (0.00025%); highest among the groups gnomAD compares: Non-Finnish European, 0.00034%; no homozygotes.

Submission:

CeGaT Center for Human Genetics Tuebingen
Classification: Likely benign. Last evaluated: 2022-03-01. Review status: criteria provided, single submitter. Criteria: CeGaT Center For Human Genetics Tuebingen Variant Classification Criteria Version 2. Collection method: clinical testing. Allele origin: germline. Affected: yes. Observed: 1 variant allele.
Comment: PTPRO: BP4, BP7

NM_030667.3(PTPRO):c.1872T>C (p.Ser624=)

Gene: PTPRO (protein tyrosine phosphatase receptor type O; plus strand). Cytogenetic location: 12p12.3.
Variant type: single nucleotide variant.
Coding change: c.1872T>C on transcript NM_030667.3 (MANE Select); coding-DNA position 1872, T replaced by C.
Protein change: p.Ser624=; no amino-acid change (serine 624 retained).
Molecular consequence: synonymous variant.
Genome position (GRCh38, 1-based): chr12:15,520,293, T>C. VCF-style: chr12-15520293-T-C. GRCh37 (hg19) VCF-style: chr12-15673227-T-C.
Other names: c.1872T>C, p.Ser624= (NM_002848.4).
Identifiers: ClinVar variation 2642761 (VCV002642761.24), dbSNP rs889964252, ClinGen allele CA233333103.